The following is an entry in ClinVar:

NM_004525.3(LRP2):c.1731G>A (p.Arg577=)

Gene: LRP2 (LDL receptor related protein 2; minus strand). Cytogenetic location: 2q31.1.
Variant type: single nucleotide variant.
Coding change: c.1731G>A on transcript NM_004525.3 (MANE Select); coding-DNA position 1731, G replaced by A.
Protein change: p.Arg577=; no amino-acid change (arginine 577 retained).
Molecular consequence: synonymous variant.
Genome position (GRCh38, 1-based): chr2:169,277,786, C>T on the plus strand (G>A on the coding strand, the complement: LRP2 is on the minus strand). VCF-style: chr2-169277786-C-T. GRCh37 (hg19) VCF-style: chr2-170134296-C-T.
Identifiers: ClinVar variation 737826 (VCV000737826.38), dbSNP rs142698246, ClinGen allele CA1955493.
Genomic context (GRCh38, chr2:169,277,786, plus strand): 5'-CATAAAAAATACTTCTTACCTTTGAATTCCATCATAAGTTACAGTTTCAATGTAATCAAA[C>T]CGAGAGTCAACCCAGTAAACACGCTTCGATATCATATCCAGAGTTACCCCAGCAGGCCAT-3'
Protein context (NP_004516.2, residues 567-587): ISKRVYWVDS[Arg577=]FDYIETVTYD

ClinVar aggregate classification (germline): Conflicting classifications of pathogenicity. Review status: criteria provided, conflicting classifications (1 of 4 stars). 6 submissions from 6 submitters: Uncertain significance (1); Benign (1); Likely benign (4). Last evaluated 2026-01-13.

Conditions:
Donnai-Barrow syndrome. Also called: DBS/FOAR SYNDROME; FACIOOCULOACOUSTICORENAL SYNDROME. Identifiers: Orphanet 2143, MedGen C1857277, MONDO:0009104, OMIM 222448.

Allele frequency attached by ClinVar (database versions not stated): TOPMed 0.00014; 1000 Genomes Project 30x 0.00016; 1000 Genomes Project 0.00020; ESP Exome Variant Server 0.00023; gnomAD exomes 0.00028 and 0.00050; gnomAD 0.00029 and 0.00031; ExAC 0.00039.
gnomAD v4.1: 467 of 1,614,108 alleles (0.029%); highest among the groups gnomAD compares: Non-Finnish European, 0.017%; 1 homozygote.

Submissions (6):

Labcorp Genetics (formerly Invitae), Labcorp
Classification: Likely benign. Last evaluated: 2026-01-13. Review status: criteria provided, single submitter. Criteria: Invitae Variant Classification Sherloc (09022015). Collection method: clinical testing. Allele origin: germline.

Laboratory of Genetics, Children's Clinical University Hospital Latvia
Classification: Benign. Last evaluated: 2025-02-16. Review status: criteria provided, single submitter. Criteria: ACMG Guidelines, 2015. Collection method: clinical testing. Allele origin: germline. Affected: yes.

CeGaT Center for Human Genetics Tuebingen
Classification: Likely benign. Last evaluated: 2025-01-01. Review status: criteria provided, single submitter. Criteria: CeGaT Center For Human Genetics Tuebingen Variant Classification Criteria Version 2. Collection method: clinical testing. Allele origin: germline. Affected: yes. Observed: 2 variant alleles.
Comment: LRP2: BP4, BP7

Blueprint Genetics
Classification: Likely benign. Last evaluated: 2024-11-19. Review status: criteria provided, single submitter. Criteria: ACMG Guidelines, 2015. Collection method: clinical testing. Allele origin: germline.

Genome-Nilou Lab
Classification: Likely benign for Donnai-Barrow syndrome. Last evaluated: 2021-07-15. Review status: criteria provided, single submitter. Criteria: ACMG Guidelines, 2015. Collection method: clinical testing. Allele origin: germline. Affected: no.

Illumina Laboratory Services, Illumina
Classification: Uncertain significance for Donnai-Barrow syndrome. Last evaluated: 2018-01-13. Review status: criteria provided, single submitter. Criteria: ICSL Variant Classification Criteria 13 December 2019. Collection method: clinical testing. Allele origin: germline.